The following is an entry in ClinVar:

ClinVar aggregate classification (germline): Benign. Review status: criteria provided, multiple submitters, no conflicts (2 of 4 stars). 7 submissions from 7 submitters: Benign (6). 1 of the submissions does not count toward it. Last evaluated 2026-02-04.

Conditions:
Acute infantile liver failure due to synthesis defect of mtDNA-encoded proteins. Also called: Liver failure acute infantile; TRMU Deficiency; LIVER FAILURE, INFANTILE, TRANSIENT. Identifiers: Orphanet 217371, MedGen C3278664, MONDO:0013111, OMIM 613070.

Allele frequency attached by ClinVar (database versions not stated): gnomAD exomes 0.00144 and 0.00358; ExAC 0.00431; ESP Exome Variant Server 0.01230; gnomAD 0.01239 and 0.01333; 1000 Genomes Project 30x 0.01359; 1000 Genomes Project 0.01378; TOPMed 0.01420.

Submissions (7):

Labcorp Genetics (formerly Invitae), Labcorp
Classification: Benign. Last evaluated: 2026-02-04. Review status: criteria provided, single submitter. Criteria: Invitae Variant Classification Sherloc (09022015). Collection method: clinical testing. Allele origin: germline.

Mayo Clinic Laboratories, Mayo Clinic
Classification: Benign. Last evaluated: 2021-06-22. Review status: criteria provided, single submitter. Criteria: ACMG Guidelines, 2015. Collection method: clinical testing. Allele origin: germline. Observed: 19 variant alleles.

ARUP Laboratories, Molecular Genetics and Genomics, ARUP Laboratories
Classification: Benign. Last evaluated: 2020-06-19. Review status: criteria provided, single submitter. Criteria: ARUP Molecular Germline Variant Investigation Process. Collection method: clinical testing. Allele origin: germline.

Illumina Laboratory Services, Illumina
Classification: Benign for Acute infantile liver failure due to synthesis defect of mtDNA-encoded proteins. Last evaluated: 2018-01-12. Review status: criteria provided, single submitter. Criteria: ICSL Variant Classification Criteria 13 December 2019. Collection method: clinical testing. Allele origin: germline.
Comment: This variant was observed in the ICSL laboratory as part of a predisposition screen in an ostensibly healthy population. It had not been previously curated by ICSL or reported in the Human Gene Mutation Database (HGMD: prior to June 1st, 2018), and was therefore a candidate for classification through an automated scoring system. Utilizing variant allele frequency, disease prevalence and penetrance estimates, and inheritance mode, an automated score was calculated to assess if this variant is too frequent to cause the disease. Based on the score and internal cut-off values, a variant classified as benign is not then subjected to further curation. The score for this variant resulted in a classification of benign for this disease.

GeneDx
Classification: Benign. Last evaluated: 2013-08-07. Review status: criteria provided, single submitter. Criteria: GeneDx Variant Classification (06012015). Collection method: clinical testing. Allele origin: germline. Affected: yes.
Comment: This variant is considered likely benign or benign based on one or more of the following criteria: it is a conservative change, it occurs at a poorly conserved position in the protein, it is predicted to be benign by multiple in silico algorithms, and/or has population frequency not consistent with disease.

Breakthrough Genomics
Classification: Benign. Review status: criteria provided, single submitter. Criteria: ACMG Guidelines, 2015. Collection method: not provided. Allele origin: germline. Inheritance: Unknown mechanism. Affected: yes.

Natera, Inc.
Classification: Benign for Transient infantile liver failure. Last evaluated: 2020-09-16. Review status: no assertion criteria provided. Collection method: clinical testing. Allele origin: germline. Not counted in ClinVar's aggregate classification.

NM_018006.5(TRMU):c.864C>T (p.Asp288=)

Gene: TRMU (tRNA mitochondrial 2-thiouridylase; plus strand). Cytogenetic location: 22q13.31.
Variant type: single nucleotide variant.
Coding change: c.864C>T on transcript NM_018006.5 (MANE Select); coding-DNA position 864, C replaced by T.
Protein change: p.Asp288=; no amino-acid change (aspartic acid 288 retained).
Molecular consequence: synonymous variant. On other transcripts: non-coding transcript variant (2).
Genome position (GRCh38, 1-based): chr22:46,353,858, C>T. VCF-style: chr22-46353858-C-T. GRCh37 (hg19) VCF-style: chr22-46749755-C-T.
Other names: p.D288D:GAC>GAT; p.Asp288=; c.522C>T, p.Asp174= (NM_001282782.2); c.444C>T, p.Asp148= (NM_001282783.2, NM_001282784.2); c.864C>T, p.Asp288= (NM_001282785.2).
Identifiers: ClinVar variation 137713 (VCV000137713.26), dbSNP rs61737827, ClinGen allele CA291377.